The following is an entry in ClinVar:

NM_002458.3(MUC5B):c.1994C>T (p.Ala665Val)

Gene: MUC5B (mucin 5B, oligomeric mucus/gel-forming; plus strand). Cytogenetic location: 11p15.5.
Variant type: single nucleotide variant.
Coding change: c.1994C>T on transcript NM_002458.3 (MANE Select); coding-DNA position 1994, C replaced by T.
Protein change: p.Ala665Val; replaces alanine 665 with valine.
Molecular consequence: missense variant.
Genome position (GRCh38, 1-based): chr11:1,232,699, C>T. VCF-style: chr11-1232699-C-T. GRCh37 (hg19) VCF-style: chr11-1253929-C-T.
Other names: short protein forms A665V.
Identifiers: ClinVar variation 1048928 (VCV001048928.1), dbSNP rs760039942, ClinGen allele CA5804495.

ClinVar aggregate classification (germline): Uncertain significance (0 of 4 stars; one submission).

Allele frequency attached by ClinVar (database versions not stated): ExAC 0.00001; gnomAD 0.00003 and 0.00004; gnomAD exomes 0.00003; TOPMed 0.00004.
gnomAD v4.1: 47 of 1,599,536 alleles (0.0029%); highest among the groups gnomAD compares: East Asian, 0.011%; no homozygotes.

Submission:

Department of Pathology and Laboratory Medicine, Sinai Health System
Classification: Uncertain significance. Review status: no assertion criteria provided. Collection method: clinical testing. Allele origin: unknown. Affected: yes. Study: The Canadian Open Genetics Repository (COGR).
Comment: The MUC5B p.Ala665Val variant was identified in 1 of 398 proband chromosomes (frequency: 0.0025) from individuals with idiopathic pulmonary fibrosis (Coghlan_2014_PMID:25553246). The variant was also identified in dbSNP (ID: rs760039942) but was not identified in ClinVar, Cosmic or LOVD 3.0. The variant was identified in control databases in 7 of 268924 chromosomes at a frequency of 0.000026 (Genome Aggregation Database Feb 27, 2017). The variant was observed in the following populations: African in 2 of 23068 chromosomes (freq: 0.000087), South Asian in 1 of 29518 chromosomes (freq: 0.000034) and European (non-Finnish) in 4 of 121808 chromosomes (freq: 0.000033), but was not observed in the Latino, Ashkenazi Jewish, East Asian, European (Finnish) or Other populations. The p.Ala665 residue is conserved across mammals and other organisms, and four out of five computational analyses (PolyPhen-2, SIFT, AlignGVGD, BLOSUM, MutationTaster) suggest that the variant may impact the protein; however, this information is not predictive enough to assume pathogenicity. The variant occurs outside of the splicing consensus sequence and in silico or computational prediction software programs (SpliceSiteFinder, MaxEntScan, NNSPLICE, GeneSplicer) do not predict a difference in splicing at the variant location. In summary, based on the above information the clinical significance of this variant cannot be determined with certainty at this time. This variant is classified as a variant of uncertain significance.